The following is an entry in ClinVar:

NM_000601.6(HGF):c.835C>T (p.Arg279Cys)

Gene: HGF (hepatocyte growth factor; minus strand). Cytogenetic location: 7q21.11.
Variant type: single nucleotide variant.
Coding change: c.835C>T on transcript NM_000601.6 (MANE Select); coding-DNA position 835, C replaced by T.
Protein change: p.Arg279Cys; replaces arginine 279 with cysteine.
Molecular consequence: missense variant.
Genome position (GRCh38, 1-based): chr7:81,743,383, G>A on the plus strand (C>T on the coding strand, the complement: HGF is on the minus strand). VCF-style: chr7-81743383-G-A. GRCh37 (hg19) VCF-style: chr7-81372699-G-A.
Other names: c.835C>T, p.Arg279Cys (NM_001010931.3); c.820C>T, p.Arg274Cys (NM_001010932.3, NM_001010933.3); short protein forms R274C, R279C.
Identifiers: ClinVar variation 3615999 (VCV003615999.2).

ClinVar aggregate classification (germline): Uncertain significance (1 of 4 stars; one submission).

gnomAD v4.1: 5 of 1,611,054 alleles (0.00031%); highest among the groups gnomAD compares: East Asian, 0.0022%; no homozygotes.

Submission:

Labcorp Genetics (formerly Invitae), Labcorp
Classification: Uncertain significance. Last evaluated: 2024-09-23. Review status: criteria provided, single submitter. Criteria: Invitae Variant Classification Sherloc (09022015). Collection method: clinical testing. Allele origin: germline.
Comment: This sequence change replaces arginine, which is basic and polar, with cysteine, which is neutral and slightly polar, at codon 279 of the HGF protein (p.Arg279Cys). This variant is present in population databases (rs756224070, gnomAD 0.0009%). This variant has not been reported in the literature in individuals affected with HGF-related conditions. An algorithm developed to predict the effect of missense changes on protein structure and function (PolyPhen-2) suggests that this variant is likely to be disruptive. In summary, the available evidence is currently insufficient to determine the role of this variant in disease. Therefore, it has been classified as a Variant of Uncertain Significance.